The following is an entry in ClinVar:

ClinVar aggregate classification (germline): Uncertain significance (1 of 4 stars; one submission).

Conditions:
Tuberous sclerosis 2 (TSC2). Identifiers: Orphanet 805, MedGen C1860707, MONDO:0013199, OMIM 613254.

Submission:

Labcorp Genetics (formerly Invitae), Labcorp
Classification: Uncertain significance for Tuberous sclerosis 2. Last evaluated: 2024-09-04. Review status: criteria provided, single submitter. Criteria: Invitae Variant Classification Sherloc (09022015). Collection method: clinical testing. Allele origin: germline.
Comment: This sequence change replaces arginine, which is basic and polar, with proline, which is neutral and non-polar, at codon 1245 of the TSC2 protein (p.Arg1245Pro). This variant is not present in population databases (gnomAD no frequency). This variant has not been reported in the literature in individuals affected with TSC2-related conditions. ClinVar contains an entry for this variant (Variation ID: 1003157). Invitae Evidence Modeling of protein sequence and biophysical properties (such as structural, functional, and spatial information, amino acid conservation, physicochemical variation, residue mobility, and thermodynamic stability) indicates that this missense variant is not expected to disrupt TSC2 protein function with a negative predictive value of 95%. In summary, the available evidence is currently insufficient to determine the role of this variant in disease. Therefore, it has been classified as a Variant of Uncertain Significance.

NM_000548.5(TSC2):c.3734G>C (p.Arg1245Pro)

Gene: TSC2 (TSC complex subunit 2; plus strand). Cytogenetic location: 16p13.3.
Variant type: single nucleotide variant.
Coding change: c.3734G>C on transcript NM_000548.5 (MANE Select); coding-DNA position 3734, G replaced by C.
Protein change: p.Arg1245Pro; replaces arginine 1245 with proline.
Molecular consequence: missense variant.
Genome position (GRCh38, 1-based): chr16:2,081,718, G>C. VCF-style: chr16-2081718-G-C. GRCh37 (hg19) VCF-style: chr16-2131719-G-C.
Other names: c.3602G>C, p.Arg1201Pro (NM_001077183.3, NM_001370404.1); c.3734G>C, p.Arg1245Pro (NM_001114382.3); c.3494G>C, p.Arg1165Pro (NM_001318827.2); c.3458G>C, p.Arg1153Pro (NM_001318829.2); c.3002G>C, p.Arg1001Pro (NM_001318831.2); c.3635G>C, p.Arg1212Pro (NM_001318832.2); c.3605G>C, p.Arg1202Pro (NM_001363528.2, NM_001370405.1, NM_021055.3); short protein forms R1001P, R1153P, R1165P, R1201P, R1202P, R1212P, R1245P.
Identifiers: ClinVar variation 1003157 (VCV001003157.8), dbSNP rs746588726, ClinGen allele CA394292943.